The following is an entry in ClinVar:

NM_004168.4(SDHA):c.1855G>C (p.Glu619Gln)

Gene: SDHA (succinate dehydrogenase complex flavoprotein subunit A; plus strand). Cytogenetic location: 5p15.33.
Variant type: single nucleotide variant.
Coding change: c.1855G>C on transcript NM_004168.4 (MANE Select); coding-DNA position 1855, G replaced by C.
Protein change: p.Glu619Gln; replaces glutamic acid 619 with glutamine.
Molecular consequence: missense variant.
Genome position (GRCh38, 1-based): chr5:254,453, G>C. VCF-style: chr5-254453-G-C. GRCh37 (hg19) VCF-style: chr5-254568-G-C.
Other names: c.1711G>C, p.Glu571Gln (NM_001294332.2); c.1612G>C, p.Glu538Gln (NM_001330758.2); short protein forms E571Q, E538Q, E619Q.
Identifiers: ClinVar variation 5029195 (VCV005029195.1).
Genomic context (GRCh38, chr5:254,453, plus strand): 5'-GTGCGGATTGATGAGTACGATTACTCCAAGCCCATCCAGGGGCAACAGAAGAAGCCCTTT[G>C]AGGAGCACTGGAGGAAGCACACCCTGTCCTATGTGGACGTTGGCACTGGGAAGGTCAGTG-3'
Protein context (NP_004159.2, residues 609-629): PIQGQQKKPF[Glu619Gln]EHWRKHTLSY

ClinVar aggregate classification (germline): Uncertain significance (1 of 4 stars; one submission).

Conditions:
Hereditary cancer-predisposing syndrome. Also called: Neoplastic Syndromes, Hereditary; Tumor predisposition; Hereditary neoplastic syndrome; Hereditary Cancer Syndrome. Identifiers: Orphanet 140162, MedGen C0027672, MeSH D009386, MONDO:0015356.

Submission:

Ambry Genetics
Classification: Uncertain significance for Hereditary cancer-predisposing syndrome. Last evaluated: 2026-07-07. Review status: criteria provided, single submitter. Criteria: Ambry Variant Classification Scheme 2023. Collection method: clinical testing. Allele origin: germline.
Comment: The p.E619Q variant (also known as c.1855G>C), located in coding exon 14 of the SDHA gene, results from a G to C substitution at nucleotide position 1855. The glutamic acid at codon 619 is replaced by glutamine, an amino acid with highly similar properties. This amino acid position is conserved. In addition, this alteration is predicted to be tolerated by in silico analysis. Based on the available evidence, the clinical significance of this variant remains unclear.